The following is an entry in ClinVar:

ClinVar aggregate classification (germline): Uncertain significance (1 of 4 stars; one submission).

Allele frequency attached by ClinVar (database versions not stated): TOPMed 0.00001; gnomAD exomes 0.00002; ExAC 0.00003.
gnomAD v4.1: 25 of 1,613,920 alleles (0.0015%); highest among the groups gnomAD compares: East Asian, 0.0067%; no homozygotes.

Submission:

Labcorp Genetics (formerly Invitae), Labcorp
Classification: Uncertain significance. Last evaluated: 2022-05-09. Review status: criteria provided, single submitter. Criteria: Invitae Variant Classification Sherloc (09022015). Collection method: clinical testing. Allele origin: germline.
Comment: In summary, the available evidence is currently insufficient to determine the role of this variant in disease. Therefore, it has been classified as a Variant of Uncertain Significance. Algorithms developed to predict the effect of missense changes on protein structure and function are either unavailable or do not agree on the potential impact of this missense change (SIFT: "Deleterious"; PolyPhen-2: "Probably Damaging"; Align-GVGD: "Class C0"). This variant has not been reported in the literature in individuals affected with STX16-related conditions. This variant is present in population databases (rs765221511, gnomAD 0.02%). This sequence change replaces arginine, which is basic and polar, with cysteine, which is neutral and slightly polar, at codon 53 of the STX16 protein (p.Arg53Cys).

NM_001001433.3(STX16):c.157C>T (p.Arg53Cys)

Genes: STX16 (syntaxin 16; plus strand), STX16-NPEPL1 (STX16-NPEPL1 readthrough (NMD candidate); plus strand). Cytogenetic location: 20q13.32.
Variant type: single nucleotide variant.
Coding change: c.157C>T on transcript NM_001001433.3 (MANE Select); coding-DNA position 157, C replaced by T.
Protein change: p.Arg53Cys; replaces arginine 53 with cysteine.
Molecular consequence: missense variant. On other transcripts: non-coding transcript variant (4), 5 prime UTR variant (1).
Genome position (GRCh38, 1-based): chr20:58,667,502, C>T. VCF-style: chr20-58667502-C-T. GRCh37 (hg19) VCF-style: chr20-57242558-C-T.
Other names: c.145C>T, p.Arg49Cys (NM_001134772.3); c.106C>T, p.Arg36Cys (NM_001134773.3); c.-3C>T (NM_001204868.2); c.94C>T, p.Arg32Cys (NM_003763.6); short protein forms R53C, R49C, R32C, R36C.
Identifiers: ClinVar variation 2180497 (VCV002180497.4), dbSNP rs765221511, ClinGen allele CA9925235.